The following is an entry in ClinVar:

NM_138420.4(AHNAK2):c.4042G>A (p.Glu1348Lys)

Gene: AHNAK2 (AHNAK nucleoprotein 2; minus strand). Cytogenetic location: 14q32.33.
Variant type: single nucleotide variant.
Coding change: c.4042G>A on transcript NM_138420.4 (MANE Select); coding-DNA position 4042, G replaced by A.
Protein change: p.Glu1348Lys; replaces glutamic acid 1348 with lysine.
Molecular consequence: missense variant.
Genome position (GRCh38, 1-based): chr14:104,951,409, C>T on the plus strand (G>A on the coding strand, the complement: AHNAK2 is on the minus strand). VCF-style: chr14-104951409-C-T. GRCh37 (hg19) VCF-style: chr14-105417746-C-T.
Other names: c.3742G>A, p.Glu1248Lys (NM_001350929.2); short protein forms E1348K, E1248K.
Identifiers: ClinVar variation 2546121 (VCV002546121.26), dbSNP rs1324964243, ClinGen allele CA391287779.

ClinVar aggregate classification (germline): Conflicting classifications of pathogenicity. Review status: criteria provided, conflicting classifications (1 of 4 stars). 2 submissions from 2 submitters: Uncertain significance (1); Benign (1). Last evaluated 2026-01-01.

Submissions (2):

CeGaT Center for Human Genetics Tuebingen
Classification: Benign. Last evaluated: 2026-01-01. Review status: criteria provided, single submitter. Criteria: CeGaT Center For Human Genetics Tuebingen Variant Classification Criteria Version 2. Collection method: clinical testing. Allele origin: germline. Affected: yes. Observed: 7 variant alleles.
Comment: AHNAK2: BP4, BS1, BS2

Ambry Genetics
Classification: Uncertain significance. Last evaluated: 2025-05-17. Review status: criteria provided, single submitter. Criteria: Ambry Variant Classification Scheme 2023. Collection method: clinical testing. Allele origin: germline.